The following is an entry in ClinVar:

ClinVar aggregate classification (germline): Uncertain significance (1 of 4 stars; one submission).

Allele frequency attached by ClinVar (database versions not stated): gnomAD 0.00001; gnomAD exomes 0.00001; ExAC 0.00002; TOPMed 0.00002.
gnomAD v4.1: 14 of 1,614,022 alleles (0.00087%); highest among the groups gnomAD compares: African/African-American, 0.0013%; no homozygotes.

Submission:

Labcorp Genetics (formerly Invitae), Labcorp
Classification: Uncertain significance. Last evaluated: 2021-11-18. Review status: criteria provided, single submitter. Criteria: Invitae Variant Classification Sherloc (09022015). Collection method: clinical testing. Allele origin: germline.
Comment: This variant has not been reported in the literature in individuals affected with SKIV2L-related conditions. This variant is present in population databases (rs747949471, gnomAD 0.002%). This sequence change replaces arginine, which is basic and polar, with cysteine, which is neutral and slightly polar, at codon 135 of the SKIV2L protein (p.Arg135Cys). Algorithms developed to predict the effect of missense changes on protein structure and function are either unavailable or do not agree on the potential impact of this missense change (SIFT: "Deleterious"; PolyPhen-2: "Possibly Damaging"; Align-GVGD: "Class C0"). In summary, the available evidence is currently insufficient to determine the role of this variant in disease. Therefore, it has been classified as a Variant of Uncertain Significance.

NM_006929.5(SKIC2):c.403C>T (p.Arg135Cys)

Gene: SKIC2 (SKI2 subunit of superkiller complex; plus strand). Cytogenetic location: 6p21.33.
Variant type: single nucleotide variant.
Coding change: c.403C>T on transcript NM_006929.5 (MANE Select); coding-DNA position 403, C replaced by T.
Protein change: p.Arg135Cys; replaces arginine 135 with cysteine.
Molecular consequence: missense variant.
Genome position (GRCh38, 1-based): chr6:31,960,480, C>T. VCF-style: chr6-31960480-C-T. GRCh37 (hg19) VCF-style: chr6-31928257-C-T.
Other names: short protein forms R135C.
Identifiers: ClinVar variation 1509956 (VCV001509956.4), dbSNP rs747949471, ClinGen allele CA3729141.